The following is an entry in ClinVar:

NM_015340.4(LARS2):c.255C>T (p.Tyr85=)

Gene: LARS2 (leucyl-tRNA synthetase 2, mitochondrial; plus strand). Cytogenetic location: 3p21.31.
Variant type: single nucleotide variant.
Coding change: c.255C>T on transcript NM_015340.4 (MANE Select); coding-DNA position 255, C replaced by T.
Protein change: p.Tyr85=; no amino-acid change (tyrosine 85 retained).
Molecular consequence: synonymous variant.
Genome position (GRCh38, 1-based): chr3:45,400,265, C>T. VCF-style: chr3-45400265-C-T. GRCh37 (hg19) VCF-style: chr3-45441757-C-T.
Other names: p.Tyr85=; c.255C>T, p.Tyr85= (NM_001368263.1).
Identifiers: ClinVar variation 227492 (VCV000227492.49), dbSNP rs114881088, ClinGen allele CA2349247.

ClinVar aggregate classification (germline): Benign/Likely benign. Review status: criteria provided, multiple submitters, no conflicts (2 of 4 stars). 9 submissions from 9 submitters: Benign (1); Likely benign (7). 1 of the submissions does not count toward it. Last evaluated 2026-04-01.

Conditions:
LARS2-related disorder. Also called: LARS2-related condition.

Allele frequency attached by ClinVar (database versions not stated): 1000 Genomes Project 0.00060; 1000 Genomes Project 30x 0.00078; gnomAD exomes 0.00111 and 0.00198; ExAC 0.00129; gnomAD 0.00150 and 0.00157; TOPMed 0.00151; ESP Exome Variant Server 0.00161.
gnomAD v4.1: 3,081 of 1,612,472 alleles (0.19%); highest among the groups gnomAD compares: Non-Finnish European, 0.24%; 9 homozygotes.

Submissions (9):

CeGaT Center for Human Genetics Tuebingen
Classification: Likely benign. Last evaluated: 2026-04-01. Review status: criteria provided, single submitter. Criteria: CeGaT Center For Human Genetics Tuebingen Variant Classification Criteria Version 2. Collection method: clinical testing. Allele origin: germline. Affected: yes. Observed: 10 variant alleles.
Comment: LARS2: BP4, BP7

Labcorp Genetics (formerly Invitae), Labcorp
Classification: Likely benign. Last evaluated: 2025-12-22. Review status: criteria provided, single submitter. Criteria: Invitae Variant Classification Sherloc (09022015). Collection method: clinical testing. Allele origin: germline.

Blueprint Genetics
Classification: Likely benign. Last evaluated: 2024-11-21. Review status: criteria provided, single submitter. Criteria: ACMG Guidelines, 2015. Collection method: clinical testing. Allele origin: germline.

Mayo Clinic Laboratories, Mayo Clinic
Classification: Likely benign. Last evaluated: 2024-09-24. Review status: criteria provided, single submitter. Criteria: ACMG Guidelines, 2015. Collection method: clinical testing. Allele origin: germline. Observed: 3 variant alleles.
Comment: BS1, BP4, BP7

GeneDx
Classification: Likely benign. Last evaluated: 2020-09-04. Review status: criteria provided, single submitter. Criteria: GeneDx Variant Classification Process June 2021. Collection method: clinical testing. Allele origin: germline. Affected: yes.

Athena Diagnostics
Classification: Benign. Last evaluated: 2019-02-13. Review status: criteria provided, single submitter. Criteria: Athena Diagnostics Criteria. Collection method: clinical testing. Allele origin: germline.

Laboratory for Molecular Medicine, Mass General Brigham Personalized Medicine
Classification: Likely benign. Last evaluated: 2017-05-16. Review status: criteria provided, single submitter. Criteria: LMM Criteria. Collection method: clinical testing. Allele origin: germline. Observed: 4 variant alleles.
Comment: p.Tyr85Tyr in exon 4 of LARS2: This variant is not expected to have clinical sig nificance because it does not alter an amino acid residue and is not located wit hin the splice consensus sequence. It has been identified in 0.2% (259/126146) o f European chromosomes by the Genome Aggregation Database (gnomAD .; dbSNP rs114881088).

Breakthrough Genomics
Classification: Likely benign. Review status: criteria provided, single submitter. Criteria: ACMG Guidelines, 2015. Collection method: not provided. Allele origin: germline. Inheritance: Autosomal recessive inheritance. Affected: yes.

PreventionGenetics, part of Exact Sciences
Classification: Likely benign for LARS2-related condition. Last evaluated: 2019-11-01. Review status: no assertion criteria provided. Collection method: clinical testing. Allele origin: germline. Not counted in ClinVar's aggregate classification.
Comment: This variant is classified as likely benign based on ACMG/AMP sequence variant interpretation guidelines (Richards et al. 2015 PMID: 25741868, with internal and published modifications).